The following is an entry in ClinVar:

ClinVar aggregate classification (germline): Likely pathogenic (1 of 4 stars; one submission).

Conditions:
Pigmented nodular adrenocortical disease, primary, 2 (PPNAD2). Also called: CUSHING SYNDROME, ADRENAL, DUE TO PPNAD2; PIGMENTED MICRONODULAR ADRENOCORTICAL DISEASE, PRIMARY, 2. Identifiers: Orphanet 189439, MedGen C1864851, MONDO:0012505, OMIM 610475.

Submission:

Variantyx, Inc.
Classification: Likely pathogenic for Pigmented nodular adrenocortical disease, primary, 2. Last evaluated: 2025-11-05. Review status: criteria provided, single submitter. Criteria: Variantyx Assertion Criteria 2022. Collection method: clinical testing. Allele origin: germline. Inheritance: Autosomal dominant inheritance. Affected: yes.
Comment: This is a frameshift variant in the PDE11A gene (OMIM: 604961). Pathogenic variants in this gene have been associated with autosomal dominant primary pigmented nodular adrenocortical disease 2. This variant introduces a premature termination codon in exon 1 out of 20 and is expected to result in loss of function, which is a known disease mechanism for PDE11A in this disorder (PMID: 16767104) (PVS1). This variant is absent from control populations (PM2) and it has not been reported in individuals with PDE11A-related disorders in the databases available for review. Based on the current evidence, this variant is classified as likely pathogenic for autosomal dominant primary pigmented nodular adrenocortical disease 2.

Literature cited by the submitters: PubMed 16767104.

NM_016953.4(PDE11A):c.736_739del (p.Ala246fs)

Gene: PDE11A (phosphodiesterase 11A; minus strand). Cytogenetic location: 2q31.2.
Variant type: Deletion.
Coding change: c.736_739del on transcript NM_016953.4 (MANE Select); coding-DNA positions 736 to 739, 4 bases deleted (GCAG; older notation c.736_739delGCAG).
Protein change: p.Ala246fs; shifts the reading frame from alanine 246.
Molecular consequence: frameshift variant. On other transcripts: intron variant (1).
Genome position (GRCh38, 1-based): chr2:178,071,699-178,071,702, CTGC deleted on the plus strand (GCAG on the coding strand, the reverse complement: PDE11A is on the minus strand); deleting any 4 consecutive bases within chr2:178,071,699-178,071,703 gives the same sequence; the c. name uses the placement nearest the transcript's 3' end. VCF-style (leftmost placement, unchanged base first): chr2-178071698-GCTGC-G. GRCh37 (hg19) VCF-style: chr2-178936425-GCTGC-G.
Other names: c.162+32600_162+32603del (NM_001077197.2); short protein forms A246fs.
Identifiers: ClinVar variation 4852175 (VCV004852175.1).